The following is an entry in ClinVar:

NM_001122769.3(LCA5):c.98C>T (p.Ser33Phe)

Gene: LCA5 (lebercilin LCA5; minus strand). Cytogenetic location: 6q14.1.
Variant type: single nucleotide variant.
Coding change: c.98C>T on transcript NM_001122769.3 (MANE Select); coding-DNA position 98, C replaced by T.
Protein change: p.Ser33Phe; replaces serine 33 with phenylalanine.
Molecular consequence: missense variant.
Genome position (GRCh38, 1-based): chr6:79,518,797, G>A on the plus strand (C>T on the coding strand, the complement: LCA5 is on the minus strand). VCF-style: chr6-79518797-G-A. GRCh37 (hg19) VCF-style: chr6-80228514-G-A.
Other names: c.98C>T (NM_181714.3); c.98C>T, p.Ser33Phe (NM_181714.4); short protein forms S33F.
Identifiers: ClinVar variation 1010782 (VCV001010782.5), dbSNP rs745815628, ClinGen allele CA3901215.

ClinVar aggregate classification (germline): Uncertain significance. Review status: criteria provided, multiple submitters, no conflicts (2 of 4 stars). 3 submissions from 3 submitters: Uncertain significance (2). 1 of the submissions does not count toward it. Last evaluated 2022-01-10.

Conditions:
Inborn genetic diseases. Identifiers: MedGen C0950123, MeSH D030342.
Leber congenital amaurosis 5 (LCA5). Also called: Amaurosis congenita of Leber, type 5. Identifiers: Orphanet 65, MedGen C1858301, MONDO:0011473, OMIM 604537.

Allele frequency attached by ClinVar (database versions not stated): gnomAD exomes below 0.00001; gnomAD 0.00001 and 0.00002; TOPMed 0.00002.
gnomAD v4.1: 31 of 1,614,030 alleles (0.0019%); highest among the groups gnomAD compares: Admixed American, 0.0033%; no homozygotes.

Submissions (3):

Ambry Genetics
Classification: Uncertain significance for Inborn genetic diseases. Last evaluated: 2022-01-10. Review status: criteria provided, single submitter. Criteria: Ambry Variant Classification Scheme 2023. Collection method: clinical testing. Allele origin: germline.

Labcorp Genetics (formerly Invitae), Labcorp
Classification: Uncertain significance. Last evaluated: 2021-08-28. Review status: criteria provided, single submitter. Criteria: Invitae Variant Classification Sherloc (09022015). Collection method: clinical testing. Allele origin: germline.
Comment: This sequence change replaces serine with phenylalanine at codon 33 of the LCA5 protein (p.Ser33Phe). The serine residue is highly conserved and there is a large physicochemical difference between serine and phenylalanine. This variant is present in population databases (rs745815628, ExAC 0.009%). This variant has not been reported in the literature in individuals affected with LCA5-related conditions. Algorithms developed to predict the effect of missense changes on protein structure and function are either unavailable or do not agree on the potential impact of this missense change (SIFT: "Deleterious"; PolyPhen-2: "Probably Damaging"; Align-GVGD: "Class C15"). In summary, the available evidence is currently insufficient to determine the role of this variant in disease. Therefore, it has been classified as a Variant of Uncertain Significance.

Natera, Inc.
Classification: Uncertain significance for Leber congenital amaurosis type 5. Last evaluated: 2021-07-20. Review status: no assertion criteria provided. Collection method: clinical testing. Allele origin: germline. Not counted in ClinVar's aggregate classification.